The following is an entry in ClinVar:

NM_005751.5(AKAP9):c.4339-156C>T

Gene: AKAP9 (A-kinase anchoring protein 9; plus strand). Cytogenetic location: 7q21.2.
Variant type: single nucleotide variant.
Coding change: c.4339-156C>T on transcript NM_005751.5 (MANE Select); 156 bases into the intron before coding-DNA position 4339, C replaced by T.
Molecular consequence: intron variant.
Genome position (GRCh38, 1-based): chr7:92,038,263, C>T. VCF-style: chr7-92038263-C-T. GRCh37 (hg19) VCF-style: chr7-91667577-C-T.
Other names: c.4339-156C>T (NM_147185.3).
Identifiers: ClinVar variation 675270 (VCV000675270.1), dbSNP rs73226346, ClinGen allele CA161895378.
Genomic context (GRCh38, chr7:92,038,263, plus strand): 5'-TTTAAAGTGGCAGGCAGTAAAATAAATACTTTGACATTAGATTTATTGTAAAAAGAGAAT[C>T]CATCTCGGTATTACTTTATTATAGGATTTCTTTTTGTTTAGAACCGTGAGGCCATGCTTT-3'

ClinVar aggregate classification (germline): Likely benign (1 of 4 stars; one submission).

Allele frequency attached by ClinVar (database versions not stated): 1000 Genomes Project 0.00539; 1000 Genomes Project 30x 0.00718; gnomAD 0.01360 and 0.01402; TOPMed 0.01445.
gnomAD v4.1: 2,079 of 152,182 alleles (1.4%); highest among the groups gnomAD compares: Non-Finnish European, 2.1%; 17 homozygotes.

Submission:

GeneDx
Classification: Likely benign. Last evaluated: 2018-06-14. Review status: criteria provided, single submitter. Criteria: GeneDx Variant Classification (06012015). Collection method: clinical testing. Allele origin: germline. Affected: yes.
Comment: This variant is considered likely benign or benign based on one or more of the following criteria: it is a conservative change, it occurs at a poorly conserved position in the protein, it is predicted to be benign by multiple in silico algorithms, and/or has population frequency not consistent with disease.